The following is an entry in ClinVar:

NM_006929.5(SKIC2):c.1556A>G (p.Tyr519Cys)

Gene: SKIC2 (SKI2 subunit of superkiller complex; plus strand). Cytogenetic location: 6p21.33.
Variant type: single nucleotide variant.
Coding change: c.1556A>G on transcript NM_006929.5 (MANE Select); coding-DNA position 1556, A replaced by G.
Protein change: p.Tyr519Cys; replaces tyrosine 519 with cysteine.
Molecular consequence: missense variant.
Genome position (GRCh38, 1-based): chr6:31,963,642, A>G. VCF-style: chr6-31963642-A-G. GRCh37 (hg19) VCF-style: chr6-31931419-A-G.
Other names: short protein forms Y519C.
Identifiers: ClinVar variation 2778545 (VCV002778545.3), dbSNP rs773814015, ClinGen allele CA3729518.

ClinVar aggregate classification (germline): Uncertain significance (1 of 4 stars; one submission).

Allele frequency attached by ClinVar (database versions not stated): ExAC 0.00001.
gnomAD v4.1: 4 of 1,547,592 alleles (0.00026%); highest among the groups gnomAD compares: Non-Finnish European, 0.00035%; no homozygotes.

Submission:

Labcorp Genetics (formerly Invitae), Labcorp
Classification: Uncertain significance. Last evaluated: 2023-02-24. Review status: criteria provided, single submitter. Criteria: Invitae Variant Classification Sherloc (09022015). Collection method: clinical testing. Allele origin: germline.
Comment: This variant has not been reported in the literature in individuals affected with SKIV2L-related conditions. This sequence change replaces tyrosine, which is neutral and polar, with cysteine, which is neutral and slightly polar, at codon 519 of the SKIV2L protein (p.Tyr519Cys). This variant is present in population databases (rs773814015, gnomAD 0.001%). An algorithm developed to predict the effect of missense changes on protein structure and function (PolyPhen-2) suggests that this variant is likely to be disruptive. In summary, the available evidence is currently insufficient to determine the role of this variant in disease. Therefore, it has been classified as a Variant of Uncertain Significance.